The following is an entry in ClinVar:

NM_006218.4(PIK3CA):c.2624A>G (p.His875Arg)

Gene: PIK3CA (phosphatidylinositol-4,5-bisphosphate 3-kinase catalytic subunit alpha; plus strand). Cytogenetic location: 3q26.32.
Variant type: single nucleotide variant.
Coding change: c.2624A>G on transcript NM_006218.4 (MANE Select); coding-DNA position 2624, A replaced by G.
Protein change: p.His875Arg; replaces histidine 875 with arginine.
Molecular consequence: missense variant.
Genome position (GRCh38, 1-based): chr3:179,229,400, A>G. VCF-style: chr3-179229400-A-G. GRCh37 (hg19) VCF-style: chr3-178947188-A-G.
Other names: short protein forms H875R.
Identifiers: ClinVar variation 2111379 (VCV002111379.4), dbSNP rs2108423028, ClinGen allele CA355278700.
Genomic context (GRCh38, chr3:179,229,400, plus strand): 5'-ACACTATTATGCAAATTCAGTGCAAAGGCGGCTTGAAAGGTGCACTGCAGTTCAACAGCC[A>G]CACACTACATCAGTGGCTCAAAGACAAGAACAAAGGAGAAATGTGAGTTGTATTATTCTT-3'
Protein context (NP_006209.2, residues 865-885): GLKGALQFNS[His875Arg]TLHQWLKDKN

ClinVar aggregate classification (germline): Uncertain significance (1 of 4 stars; one submission).

Conditions:
Cowden syndrome (CS). Also called: Cowden's disease; Cowden's syndrome; Cowden disease. Identifiers: Orphanet 201, MedGen C0018553, MONDO:0016063. Disease mechanism: gain of function.

Submission:

Labcorp Genetics (formerly Invitae), Labcorp
Classification: Uncertain significance for Cowden syndrome. Last evaluated: 2024-01-24. Review status: criteria provided, single submitter. Criteria: Invitae Variant Classification Sherloc (09022015). Collection method: clinical testing. Allele origin: germline.
Comment: This sequence change replaces histidine, which is basic and polar, with arginine, which is basic and polar, at codon 875 of the PIK3CA protein (p.His875Arg). This variant is not present in population databases (gnomAD no frequency). This variant has not been reported in the literature in individuals affected with PIK3CA-related conditions. ClinVar contains an entry for this variant (Variation ID: 2111379). Advanced modeling of protein sequence and biophysical properties (such as structural, functional, and spatial information, amino acid conservation, physicochemical variation, residue mobility, and thermodynamic stability) has been performed at Invitae for this missense variant, however the output from this modeling did not meet the statistical confidence thresholds required to predict the impact of this variant on PIK3CA protein function. In summary, the available evidence is currently insufficient to determine the role of this variant in disease. Therefore, it has been classified as a Variant of Uncertain Significance.